The following is an entry in ClinVar:

NM_014028.4(OSTM1):c.*1367G>A

Gene: OSTM1 (osteoclastogenesis associated transmembrane protein 1; minus strand). Cytogenetic location: 6q21.
Variant type: single nucleotide variant.
Coding change: c.*1367G>A on transcript NM_014028.4 (MANE Select); 1367 bases downstream of the stop codon, G replaced by A.
Molecular consequence: 3 prime UTR variant.
Genome position (GRCh38, 1-based): chr6:108,043,418, C>T on the plus strand (G>A on the coding strand, the complement: OSTM1 is on the minus strand). VCF-style: chr6-108043418-C-T. GRCh37 (hg19) VCF-style: chr6-108364622-C-T.
Identifiers: ClinVar variation 354963 (VCV000354963.5), dbSNP rs73504439, ClinGen allele CA10622703.

ClinVar aggregate classification (germline): Benign (1 of 4 stars; one submission).

Conditions:
Autosomal recessive osteopetrosis 5. Identifiers: Orphanet 85179, MedGen C1968603, MONDO:0009817, OMIM 259720.

Allele frequency attached by ClinVar (database versions not stated): gnomAD 0.03323 and 0.03564; TOPMed 0.03794; 1000 Genomes Project 0.04014; 1000 Genomes Project 30x 0.04388.

Submission:

Illumina Laboratory Services, Illumina
Classification: Benign for Autosomal recessive osteopetrosis 5. Last evaluated: 2018-01-12. Review status: criteria provided, single submitter. Criteria: ICSL Variant Classification Criteria 13 December 2019. Collection method: clinical testing. Allele origin: germline.
Comment: This variant was observed in the ICSL laboratory as part of a predisposition screen in an ostensibly healthy population. It had not been previously curated by ICSL or reported in the Human Gene Mutation Database (HGMD: prior to June 1st, 2018), and was therefore a candidate for classification through an automated scoring system. Utilizing variant allele frequency, disease prevalence and penetrance estimates, and inheritance mode, an automated score was calculated to assess if this variant is too frequent to cause the disease. Based on the score and internal cut-off values, a variant classified as benign is not then subjected to further curation. The score for this variant resulted in a classification of benign for this disease.